The following is an entry in ClinVar:

NM_001025265.3(CXorf65):c.468C>T (p.Arg156=)

Gene: CXorf65 (chromosome X open reading frame 65; minus strand). Cytogenetic location: Xq13.1.
Variant type: single nucleotide variant.
Coding change: c.468C>T on transcript NM_001025265.3 (MANE Select); coding-DNA position 468, C replaced by T.
Protein change: p.Arg156=; no amino-acid change (arginine 156 retained).
Molecular consequence: synonymous variant. On other transcripts: non-coding transcript variant (1).
Genome position (GRCh38, 1-based): chrX:71,104,071, G>A on the plus strand (C>T on the coding strand, the complement: CXorf65 is on the minus strand). VCF-style: chrX-71104071-G-A. GRCh37 (hg19) VCF-style: chrX-70323921-G-A.
Identifiers: ClinVar variation 4823706 (VCV004823706.4).

ClinVar aggregate classification (germline): Likely benign (1 of 4 stars; one submission).

Submission:

CeGaT Center for Human Genetics Tuebingen
Classification: Likely benign. Last evaluated: 2026-03-01. Review status: criteria provided, single submitter. Criteria: CeGaT Center For Human Genetics Tuebingen Variant Classification Criteria Version 2. Collection method: clinical testing. Allele origin: germline. Affected: yes. Observed: 1 variant allele.
Comment: CXorf65: PM2:Supporting, BP4, BP7